The following is an entry in ClinVar:

NM_032856.5(WDR73):c.68T>A (p.Leu23Gln)

Gene: WDR73 (WD repeat domain 73; minus strand). Cytogenetic location: 15q25.2.
Variant type: single nucleotide variant.
Coding change: c.68T>A on transcript NM_032856.5 (MANE Select); coding-DNA position 68, T replaced by A.
Protein change: p.Leu23Gln; replaces leucine 23 with glutamine.
Molecular consequence: missense variant. On other transcripts: non-coding transcript variant (4).
Genome position (GRCh38, 1-based): chr15:84,653,673, A>T on the plus strand (T>A on the coding strand, the complement: WDR73 is on the minus strand). VCF-style: chr15-84653673-A-T. GRCh37 (hg19) VCF-style: chr15-85196904-A-T.
Other names: short protein forms L23Q.
Identifiers: ClinVar variation 208468 (VCV000208468.2), dbSNP rs797044993, ClinGen allele CA249841.
Genomic context (GRCh38, chr15:84,653,673, plus strand): 5'-GGCTAGAAAGGTATACCACCTTTGTCATCAATCCATTCAAGGACTCGAGTGGCTCCTGAC[A>T]GGTCGAATGCATAGAAATCCTGGTACCTGCACAAAAGGGACACAGAATCACACGATGCAC-3'
Protein context (NP_116245.2, residues 13-33): RLYQDFYAFD[Leu23Gln]SGATRVLEWI

ClinVar aggregate classification (germline): Likely pathogenic. Review status: criteria provided, single submitter (1 of 4 stars). 2 submissions from 2 submitters: Likely pathogenic (1). 1 of the submissions does not count toward it. Last evaluated 2016-06-22.

Conditions:
Galloway-Mowat syndrome 1 (GAMOS1). Identifiers: Orphanet 2065, Orphanet 83472, MedGen C4551772, MONDO:0033005, OMIM 251300.

Allele frequency attached by ClinVar (database versions not stated): gnomAD exomes below 0.00001.

Submissions (2):

GeneDx
Classification: Likely pathogenic. Last evaluated: 2016-06-22. Review status: criteria provided, single submitter. Criteria: GeneDx Variant Classification (06012015). Collection method: clinical testing. Allele origin: germline. Affected: yes.
Comment: The L23Q variant in the WDR73 gene has been reported previously in the homozygous state in an individual with a clinical diagnosis of Galloway-Mowat syndrome (Vodopiutz et al., 2015). The L23Q variant was not observed in approximately 6200 individuals of European and African American ancestry in the NHLBI Exome Sequencing Project, indicating it is not a common benign variant in these populations. The L23Q variant is a non-conservative amino acid substitution, which is likely to impact secondary protein structure as these residues differ in polarity, charge, size and/or other properties. This substitution occurs at a position that is conserved across species and in silico analysis predicts this variant is probably damaging to the protein structure/function. The L23Q variant is a strong candidate for a pathogenic variant, however the possibility it may be a rare benign variant cannot be excluded.

OMIM
Classification: Pathogenic for GALLOWAY-MOWAT SYNDROME 1. Last evaluated: 2015-06-29. Review status: no assertion criteria provided. Collection method: literature only. Allele origin: germline. Not counted in ClinVar's aggregate classification.

Literature cited by the submitters: PubMed 26123727 (cited by OMIM).